The following is an entry in ClinVar:

NM_012112.5(TPX2):c.1519G>A (p.Glu507Lys)

Gene: TPX2 (TPX2 microtubule nucleation factor; plus strand). Cytogenetic location: 20q11.21.
Variant type: single nucleotide variant.
Coding change: c.1519G>A on transcript NM_012112.5 (MANE Select); coding-DNA position 1519, G replaced by A.
Protein change: p.Glu507Lys; replaces glutamic acid 507 with lysine.
Molecular consequence: missense variant.
Genome position (GRCh38, 1-based): chr20:31,793,857, G>A. VCF-style: chr20-31793857-G-A. GRCh37 (hg19) VCF-style: chr20-30381660-G-A.
Other names: short protein forms E507K.
Identifiers: ClinVar variation 2652252 (VCV002652252.24), dbSNP rs61754553, ClinGen allele CA9802658.

ClinVar aggregate classification (germline): Likely benign (1 of 4 stars; one submission).

Allele frequency attached by ClinVar (database versions not stated): 1000 Genomes Project 0.00339; 1000 Genomes Project 30x 0.00390; ExAC 0.00500; gnomAD 0.00505; TOPMed 0.00516; ESP Exome Variant Server 0.00546.
gnomAD v4.1: 10,706 of 1,585,596 alleles (0.68%); highest among the groups gnomAD compares: Middle Eastern, 1.2%; 61 homozygotes.

Submission:

CeGaT Center for Human Genetics Tuebingen
Classification: Likely benign. Last evaluated: 2023-02-01. Review status: criteria provided, single submitter. Criteria: CeGaT Center For Human Genetics Tuebingen Variant Classification Criteria Version 2. Collection method: clinical testing. Allele origin: germline. Affected: yes. Observed: 3 variant alleles.
Comment: TPX2: BP4, BS2